The following is an entry in ClinVar:

ClinVar aggregate classification (germline): Uncertain significance (1 of 4 stars; one submission).

Conditions:
Hypohidrotic X-linked ectodermal dysplasia (XHED). Also called: ECTODERMAL DYSPLASIA, HYPOHIDROTIC, 1; CST SYNDROME; Anhidrotic ectodermal dysplasia X-linked; Christ Siemens Touraine syndrome; ECTODERMAL DYSPLASIA 1, HYPOHIDROTIC, X-LINKED; ECTODERMAL DYSPLASIA 1, HYPOHIDROTIC/HAIR/TOOTH TYPE, X-LINKED. Identifiers: Orphanet 181, Orphanet 238468, MedGen C0162359, MONDO:0010585, OMIM 305100.

Submission:

Labcorp Genetics (formerly Invitae), Labcorp
Classification: Uncertain significance for Hypohidrotic X-linked ectodermal dysplasia. Last evaluated: 2025-12-03. Review status: criteria provided, single submitter. Criteria: Invitae Variant Classification Sherloc (09022015). Collection method: clinical testing. Allele origin: germline.
Comment: This sequence change replaces leucine, which is neutral and non-polar, with serine, which is neutral and polar, at codon 58 of the EDA protein (p.Leu58Ser). This variant is not present in population databases (gnomAD no frequency). This variant has not been reported in the literature in individuals affected with EDA-related conditions. Invitae Evidence Modeling of protein sequence and biophysical properties (such as structural, functional, and spatial information, amino acid conservation, physicochemical variation, residue mobility, and thermodynamic stability) has been performed for this missense variant. However, the output from this modeling did not meet the statistical confidence thresholds required to predict the impact of this variant on EDA protein function. In summary, the available evidence is currently insufficient to determine the role of this variant in disease. Therefore, it has been classified as a Variant of Uncertain Significance.

NM_001399.5(EDA):c.173T>C (p.Leu58Ser)

Gene: EDA (ectodysplasin A; plus strand). Cytogenetic location: Xq13.1.
Variant type: single nucleotide variant.
Coding change: c.173T>C on transcript NM_001399.5 (MANE Select); coding-DNA position 173, T replaced by C.
Protein change: p.Leu58Ser; replaces leucine 58 with serine.
Molecular consequence: missense variant.
Genome position (GRCh38, 1-based): chrX:69,616,481, T>C. VCF-style: chrX-69616481-T-C. GRCh37 (hg19) VCF-style: chrX-68836325-T-C.
Other names: c.173T>C, p.Leu58Ser (NM_001005609.2, NM_001005610.4, NM_001005612.3 and 3 more transcripts); short protein forms L58S.
Identifiers: ClinVar variation 4746379 (VCV004746379.1).